The following is an entry in ClinVar:

NM_000426.4(LAMA2):c.1375G>A (p.Gly459Ser)

Gene: LAMA2 (laminin subunit alpha 2; plus strand). Cytogenetic location: 6q22.33.
Variant type: single nucleotide variant.
Coding change: c.1375G>A on transcript NM_000426.4 (MANE Select); coding-DNA position 1375, G replaced by A.
Protein change: p.Gly459Ser; replaces glycine 459 with serine.
Molecular consequence: missense variant.
Genome position (GRCh38, 1-based): chr6:129,177,774, G>A. VCF-style: chr6-129177774-G-A. GRCh37 (hg19) VCF-style: chr6-129498919-G-A.
Other names: c.1375G>A, p.Gly459Ser (NM_001079823.2); short protein forms G459S.
Identifiers: ClinVar variation 1060792 (VCV001060792.9), dbSNP rs2115016148, ClinGen allele CA365607533.

ClinVar aggregate classification (germline): Uncertain significance (1 of 4 stars; one submission).

Conditions:
LAMA2-related muscular dystrophy (LAMA2-RD). Also called: Laminin alpha 2-related dystrophy. Identifiers: MedGen C5679788, MONDO:0100228.

Allele frequency attached by ClinVar (database versions not stated): gnomAD exomes below 0.00001.
gnomAD v4.1: 1 of 1,613,958 alleles (0.000062%); highest among the groups gnomAD compares: East Asian, 0.0022%; no homozygotes.

Submission:

Labcorp Genetics (formerly Invitae), Labcorp
Classification: Uncertain significance for LAMA2-related muscular dystrophy. Last evaluated: 2020-03-18. Review status: criteria provided, single submitter. Criteria: Invitae Variant Classification Sherloc (09022015). Collection method: clinical testing. Allele origin: germline.
Comment: This sequence change replaces glycine with serine at codon 459 of the LAMA2 protein (p.Gly459Ser). The glycine residue is moderately conserved and there is a small physicochemical difference between glycine and serine. This variant is not present in population databases (ExAC no frequency). This variant has not been reported in the literature in individuals with LAMA2-related conditions. Algorithms developed to predict the effect of missense changes on protein structure and function are either unavailable or do not agree on the potential impact of this missense change (SIFT: "Tolerated"; PolyPhen-2: "Probably Damaging"; Align-GVGD: "Class C0"). In summary, the available evidence is currently insufficient to determine the role of this variant in disease. Therefore, it has been classified as a Variant of Uncertain Significance.